The following is an entry in ClinVar:

ClinVar aggregate classification (germline): Uncertain significance. Review status: criteria provided, multiple submitters, no conflicts (2 of 4 stars). 4 submissions from 4 submitters: Uncertain significance (3). 1 of the submissions does not count toward it. Last evaluated 2024-12-11.

Conditions:
Cardiovascular phenotype. Identifiers: MedGen CN230736.
Duchenne muscular dystrophy (DMD). Also called: MUSCULAR DYSTROPHY, PSEUDOHYPERTROPHIC PROGRESSIVE, DUCHENNE TYPE; Duchenne Muscular Dystrophy (DMD). Identifiers: Orphanet 98896, MedGen C0013264, MONDO:0010679, OMIM 310200.
Dystrophin deficiency.
Becker muscular dystrophy (BMD). Also called: MUSCULAR DYSTROPHY, PSEUDOHYPERTROPHIC PROGRESSIVE, BECKER TYPE; Becker Muscular Dystrophy (BMD). Identifiers: Orphanet 98895, MedGen C0917713, MONDO:0010311, OMIM 300376.
Cardiomyopathy (CMYO). Also called: Cardiomyopathies. Identifiers: Orphanet 167848, MedGen C0878544, MONDO:0004994, HP:0001638. Inheritance: Various modes of inheritance.

Allele frequency attached by ClinVar (database versions not stated): gnomAD exomes below 0.00001 and 0.00001; ExAC 0.00001; TOPMed 0.00001; gnomAD 0.00005.
gnomAD v4.1: 10 of 1,209,617 alleles (0.00083%); highest among the groups gnomAD compares: Admixed American, 0.011%; no homozygotes.

Submissions (4):

Labcorp Genetics (formerly Invitae), Labcorp
Classification: Uncertain significance for Duchenne muscular dystrophy. Last evaluated: 2024-12-11. Review status: criteria provided, single submitter. Criteria: Invitae Variant Classification Sherloc (09022015). Collection method: clinical testing. Allele origin: germline.
Comment: This sequence change replaces histidine, which is basic and polar, with arginine, which is basic and polar, at codon 3239 of the DMD protein (p.His3239Arg). This variant is present in population databases (rs765865134, gnomAD 0.004%). This variant has not been reported in the literature in individuals affected with DMD-related conditions. ClinVar contains an entry for this variant (Variation ID: 964806). Invitae Evidence Modeling of protein sequence and biophysical properties (such as structural, functional, and spatial information, amino acid conservation, physicochemical variation, residue mobility, and thermodynamic stability) indicates that this missense variant is not expected to disrupt DMD protein function with a negative predictive value of 95%. In summary, the available evidence is currently insufficient to determine the role of this variant in disease. Therefore, it has been classified as a Variant of Uncertain Significance.

Ambry Genetics
Classification: Uncertain significance for Cardiovascular phenotype. Last evaluated: 2022-11-10. Review status: criteria provided, single submitter. Criteria: Ambry Variant Classification Scheme 2023. Collection method: clinical testing. Allele origin: germline.
Comment: The p.H3239R variant (also known as c.9716A>G), located in coding exon 67 of the DMD gene, results from an A to G substitution at nucleotide position 9716. The histidine at codon 3239 is replaced by arginine, an amino acid with highly similar properties. Based on data from gnomAD, the G allele has an overall frequency of <0.01% (2205378) total alleles studied, with 0 hemizygote(s) observed. The highest observed frequency was <0.01% (1/28049) of Latino/Admixed American alleles. This amino acid position is highly conserved in available vertebrate species. In addition, this alteration is predicted to be deleterious by in silico analysis. Since supporting evidence is limited at this time, the clinical significance of this alteration remains unclear.

AiLife Diagnostics
Classification: Uncertain significance. Last evaluated: 2021-11-09. Review status: criteria provided, single submitter. Criteria: ACMG Guidelines, 2015. Collection method: clinical testing. Allele origin: germline. Affected: yes. Observed: 1 variant allele.

Natera, Inc.
Classification: Uncertain significance for Becker muscular dystrophy; Cardiomyopathy; Duchenne muscular dystrophy; Dystrophin deficiency. Last evaluated: 2018-07-16. Review status: no assertion criteria provided. Collection method: clinical testing. Allele origin: germline. Not counted in ClinVar's aggregate classification.

NM_004006.3(DMD):c.9716A>G (p.His3239Arg)

Gene: DMD (dystrophin; minus strand). Cytogenetic location: Xp21.2.
Variant type: single nucleotide variant.
Coding change: c.9716A>G on transcript NM_004006.3 (MANE Select); coding-DNA position 9716, A replaced by G.
Protein change: p.His3239Arg; replaces histidine 3239 with arginine.
Molecular consequence: missense variant.
Genome position (GRCh38, 1-based): chrX:31,204,052, T>C on the plus strand (A>G on the coding strand, the complement: DMD is on the minus strand). VCF-style: chrX-31204052-T-C. GRCh37 (hg19) VCF-style: chrX-31222169-T-C.
Other names: c.9692A>G, p.His3231Arg (NM_000109.4); c.9704A>G, p.His3235Arg (NM_004009.3); c.9347A>G, p.His3116Arg (NM_004010.3); c.5693A>G, p.His1898Arg (NM_004011.4); c.5684A>G, p.His1895Arg (NM_004012.4); c.2336A>G, p.His779Arg (NM_004013.3, NM_004020.4, NM_004021.3 and 2 more transcripts); c.1529A>G, p.His510Arg (NM_004014.3); c.512A>G, p.His171Arg (NM_004015.3, NM_004016.3, NM_004017.3 and 2 more transcripts); short protein forms H1895R, H3235R, H510R, H779R, H171R, H3231R, H1898R, H3116R.
Identifiers: ClinVar variation 964806 (VCV000964806.12), dbSNP rs765865134, ClinGen allele CA10377752.